The following is an entry in ClinVar:

ClinVar aggregate classification (germline): Uncertain significance. Review status: criteria provided, multiple submitters, no conflicts (2 of 4 stars). 2 submissions from 2 submitters: Uncertain significance (2). Last evaluated 2026-01-05.

Conditions:
Baller-Gerold syndrome (BGS). Also called: CRANIOSYNOSTOSIS WITH RADIAL DEFECTS. Identifiers: Orphanet 1225, MedGen C0265308, MONDO:0009039, OMIM 218600.
Inborn genetic diseases. Identifiers: MedGen C0950123, MeSH D030342.

gnomAD v4.1: 2 of 1,612,372 alleles (0.00012%); highest among the groups gnomAD compares: Non-Finnish European, 0.00017%; no homozygotes.

Submissions (2):

Labcorp Genetics (formerly Invitae), Labcorp
Classification: Uncertain significance for Baller-Gerold syndrome. Last evaluated: 2026-01-05. Review status: criteria provided, single submitter. Criteria: Invitae Variant Classification Sherloc (09022015). Collection method: clinical testing. Allele origin: germline.
Comment: This sequence change replaces arginine, which is basic and polar, with leucine, which is neutral and non-polar, at codon 98 of the RECQL4 protein (p.Arg98Leu). The frequency data for this variant in the population databases is considered unreliable, as metrics indicate poor data quality at this position in the gnomAD database. This variant has not been reported in the literature in individuals affected with RECQL4-related conditions. ClinVar contains an entry for this variant (Variation ID: 656310). Invitae Evidence Modeling of protein sequence and biophysical properties (such as structural, functional, and spatial information, amino acid conservation, physicochemical variation, residue mobility, and thermodynamic stability) indicates that this missense variant is not expected to disrupt RECQL4 protein function with a negative predictive value of 80%. In summary, the available evidence is currently insufficient to determine the role of this variant in disease. Therefore, it has been classified as a Variant of Uncertain Significance.

Ambry Genetics
Classification: Uncertain significance for Inborn genetic diseases. Last evaluated: 2025-07-24. Review status: criteria provided, single submitter. Criteria: Ambry Variant Classification Scheme 2023. Collection method: clinical testing. Allele origin: germline.
Comment: The p.R98L variant (also known as c.293G>T), located in coding exon 4 of the RECQL4 gene, results from a G to T substitution at nucleotide position 293. The arginine at codon 98 is replaced by leucine, an amino acid with dissimilar properties. This amino acid position is conserved. In addition, this alteration is predicted to be tolerated by in silico analysis. Based on the available evidence, the clinical significance of this variant remains unclear.

NM_004260.4(RECQL4):c.293G>T (p.Arg98Leu)

Gene: RECQL4 (RecQ like helicase 4; minus strand). Cytogenetic location: 8q24.3.
Variant type: single nucleotide variant.
Coding change: c.293G>T on transcript NM_004260.4 (MANE Select); coding-DNA position 293, G replaced by T.
Protein change: p.Arg98Leu; replaces arginine 98 with leucine.
Molecular consequence: missense variant.
Genome position (GRCh38, 1-based): chr8:144,517,111, C>A on the plus strand (G>T on the coding strand, the complement: RECQL4 is on the minus strand). VCF-style: chr8-144517111-C-A. GRCh37 (hg19) VCF-style: chr8-145742495-C-A.
Other names: short protein forms R98L.
Identifiers: ClinVar variation 656310 (VCV000656310.6), dbSNP rs769634470, ClinGen allele CA4949393.